The following is an entry in ClinVar:

NM_058216.3(RAD51C):c.447_448delinsT (p.Gly150fs)

Gene: RAD51C (RAD51 paralog C; plus strand). Cytogenetic location: 17q22.
Variant type: Indel.
Coding change: c.447_448delinsT on transcript NM_058216.3 (MANE Select); coding-DNA positions 447 to 448, AG replaced by T.
Protein change: p.Gly150fs; shifts the reading frame from glycine 150.
Molecular consequence: frameshift variant.
Genome position (GRCh38, 1-based): chr17:58,696,735-58,696,736, AG replaced by T. VCF-style: chr17-58696735-AG-T. GRCh37 (hg19) VCF-style: chr17-56774096-AG-T.
Other names: short protein forms G150fs.
Identifiers: ClinVar variation 645241 (VCV000645241.10), dbSNP rs1598460178, ClinGen allele CA915950635.

ClinVar aggregate classification (germline): Pathogenic/Likely pathogenic. Review status: criteria provided, multiple submitters, no conflicts (2 of 4 stars). 4 submissions from 4 submitters: Pathogenic (3); Likely pathogenic (1). Last evaluated 2025-06-25.

Conditions:
Hereditary cancer-predisposing syndrome. Also called: Neoplastic Syndromes, Hereditary; Hereditary Cancer Syndrome; Hereditary neoplastic syndrome; Tumor predisposition. Identifiers: Orphanet 140162, MedGen C0027672, MeSH D009386, MONDO:0015356.
Breast-ovarian cancer, familial, susceptibility to, 3. Also called: RAD51C-Related Breast/Ovarian Cancer. Identifiers: Orphanet 145, MedGen C3150659, MONDO:0013253, OMIM 613399.
Fanconi anemia complementation group O. Also called: RAD51C-Related Fanconi Anemia. Identifiers: Orphanet 84, MedGen C3150653, MONDO:0013248, OMIM 613390.

Submissions (4):

Ambry Genetics
Classification: Pathogenic for Hereditary cancer-predisposing syndrome. Last evaluated: 2025-06-25. Review status: criteria provided, single submitter. Criteria: Ambry Variant Classification Scheme 2023. Collection method: clinical testing. Allele origin: germline.
Comment: The c.447_448delAGinsT pathogenic mutation, located in coding exon 3 of the RAD51C gene, results from the deletion of two nucleotides and insertion of one nucleotide causing a translational frameshift with a predicted alternate stop codon (p.G150Efs*21). This variant is considered to be rare based on population cohorts in the Genome Aggregation Database (gnomAD). This alteration is expected to result in loss of function by premature protein truncation or nonsense-mediated mRNA decay. As such, this alteration is interpreted as a disease-causing mutation.

Myriad Genetics, Inc.
Classification: Pathogenic for Breast-ovarian cancer, familial, susceptibility to, 3. Last evaluated: 2024-01-02. Review status: criteria provided, single submitter. Criteria: Myriad Autosomal Dominant, Autosomal Recessive and X-Linked Classification Criteria (2023). Collection method: clinical testing. Allele origin: unknown.
Comment: This variant is considered pathogenic. This variant creates a frameshift predicted to result in premature protein truncation.

Labcorp Genetics (formerly Invitae), Labcorp
Classification: Pathogenic for Fanconi anemia complementation group O. Last evaluated: 2023-04-29. Review status: criteria provided, single submitter. Criteria: Invitae Variant Classification Sherloc (09022015). Collection method: clinical testing. Allele origin: germline.
Comment: For these reasons, this variant has been classified as Pathogenic. Algorithms developed to predict the effect of sequence changes on RNA splicing suggest that this variant may disrupt the consensus splice site. This variant has not been reported in the literature in individuals affected with RAD51C-related conditions. This variant is not present in population databases (gnomAD no frequency). This sequence change creates a premature translational stop signal (p.Gly150Glufs*21) in the RAD51C gene. It is expected to result in an absent or disrupted protein product. Loss-of-function variants in RAD51C are known to be pathogenic (PMID: 20400964, 21990120, 24800917).

Baylor Genetics
Classification: Likely pathogenic for Breast-ovarian cancer, familial, susceptibility to, 3. Last evaluated: 2022-04-29. Review status: criteria provided, single submitter. Criteria: ACMG Guidelines, 2015. Collection method: clinical testing. Allele origin: unknown.

Literature cited by the submitters: PubMed 20400964 (cited by Labcorp Genetics (formerly Invitae), Labcorp); PubMed 21990120 (cited by Labcorp Genetics (formerly Invitae), Labcorp); PubMed 24800917 (cited by Labcorp Genetics (formerly Invitae), Labcorp).